The following is an entry in ClinVar:

ClinVar aggregate classification (germline): Pathogenic/Likely pathogenic. Review status: criteria provided, multiple submitters, no conflicts (2 of 4 stars). 3 submissions from 3 submitters: Pathogenic (1); Likely pathogenic (2). Last evaluated 2025-08-17.

Conditions:
DTNBP1-related disorders.
Hermansky-Pudlak syndrome 7 (HPS7). Identifiers: Orphanet 231531, Orphanet 79430, MedGen C3279756, MONDO:0013559, OMIM 614076.

Submissions (3):

Labcorp Genetics (formerly Invitae), Labcorp
Classification: Pathogenic. Last evaluated: 2025-08-17. Review status: criteria provided, single submitter. Criteria: Invitae Variant Classification Sherloc (09022015). Collection method: clinical testing. Allele origin: germline.
Comment: This sequence change creates a premature translational stop signal (p.Ser27Argfs*25) in the DTNBP1 gene. It is expected to result in an absent or disrupted protein product. Loss-of-function variants in DTNBP1 are known to be pathogenic (PMID: 12923531, 23364359). This variant is present in population databases (rs757126788, gnomAD 0.07%), including at least one homozygous and/or hemizygous individual. This variant has not been reported in the literature in individuals affected with DTNBP1-related conditions. ClinVar contains an entry for this variant (Variation ID: 2068358). For these reasons, this variant has been classified as Pathogenic.

Fulgent Genetics
Classification: Likely pathogenic for Hermansky-Pudlak syndrome 7. Last evaluated: 2024-05-15. Review status: criteria provided, single submitter. Criteria: ACMG Guidelines, 2015. Collection method: clinical testing. Allele origin: germline.

Blueprint Genetics
Classification: Likely pathogenic for DTNBP1-related disorders. Last evaluated: 2023-01-25. Review status: criteria provided, single submitter. Criteria: ACMG Guidelines, 2015. Collection method: clinical testing. Allele origin: germline. Affected: yes. Observed: 1 variant allele.

Literature cited by the submitters: PubMed 12923531 (cited by Labcorp Genetics (formerly Invitae), Labcorp); PubMed 23364359 (cited by Labcorp Genetics (formerly Invitae), Labcorp).

NM_032122.5(DTNBP1):c.79_83del (p.Ser27fs)

Gene: DTNBP1 (dystrobrevin binding protein 1; minus strand). Cytogenetic location: 6p22.3.
Variant type: Deletion.
Coding change: c.79_83del on transcript NM_032122.5 (MANE Select); coding-DNA positions 79 to 83, 5 bases deleted (TCAAG; older notation c.79_83delTCAAG).
Protein change: p.Ser27fs; shifts the reading frame from serine 27.
Molecular consequence: frameshift variant. On other transcripts: 5 prime UTR variant (1), non-coding transcript variant (1), intron variant (1).
Genome position (GRCh38, 1-based): chr6:15,652,114-15,652,118, CTTGA deleted on the plus strand (TCAAG on the coding strand, the reverse complement: DTNBP1 is on the minus strand); deleting any 5 consecutive bases within chr6:15,652,114-15,652,122 gives the same sequence; the c. name uses the placement nearest the transcript's 3' end. VCF-style (leftmost placement, unchanged base first): chr6-15652113-TCTTGA-T. GRCh37 (hg19) VCF-style: chr6-15652344-TCTTGA-T.
Other names: c.-210_-206del (NM_001271667.2); c.79_83del, p.Ser27fs (NM_001271668.2, NM_183040.2); c.56+10696_56+10700del (NM_001271669.2); short protein forms S27fs.
Identifiers: ClinVar variation 2068358 (VCV002068358.7), dbSNP rs757126788, ClinGen allele CA3644278.